The following is an entry in ClinVar:

ClinVar aggregate classification (germline): Uncertain significance. Review status: criteria provided, multiple submitters, no conflicts (2 of 4 stars). 2 submissions from 2 submitters: Uncertain significance (2). Last evaluated 2023-10-10.

Conditions:
Inborn genetic diseases. Identifiers: MedGen C0950123, MeSH D030342.

Allele frequency attached by ClinVar (database versions not stated): gnomAD 0.00001; gnomAD exomes 0.00001; TOPMed 0.00001.
gnomAD v4.1: 8 of 1,613,576 alleles (0.0005%); highest among the groups gnomAD compares: Non-Finnish European, 0.00068%; no homozygotes.

Submissions (2):

Ambry Genetics
Classification: Uncertain significance for Inborn genetic diseases. Last evaluated: 2023-10-10. Review status: criteria provided, single submitter. Criteria: Ambry Variant Classification Scheme 2023. Collection method: clinical testing. Allele origin: germline.

Labcorp Genetics (formerly Invitae), Labcorp
Classification: Uncertain significance. Last evaluated: 2021-08-28. Review status: criteria provided, single submitter. Criteria: Invitae Variant Classification Sherloc (09022015). Collection method: clinical testing. Allele origin: germline.
Comment: This sequence change replaces arginine with tryptophan at codon 158 of the WDR1 protein (p.Arg158Trp). The arginine residue is highly conserved and there is a moderate physicochemical difference between arginine and tryptophan. This variant is not present in population databases (ExAC no frequency). This variant has not been reported in the literature in individuals affected with WDR1-related conditions. Algorithms developed to predict the effect of missense changes on protein structure and function are either unavailable or do not agree on the potential impact of this missense change (SIFT: "Deleterious"; PolyPhen-2: "Probably Damaging"; Align-GVGD: "Class C0"). In summary, the available evidence is currently insufficient to determine the role of this variant in disease. Therefore, it has been classified as a Variant of Uncertain Significance.

NM_017491.5(WDR1):c.472C>T (p.Arg158Trp)

Gene: WDR1 (WD repeat domain 1; minus strand). Cytogenetic location: 4p16.1.
Variant type: single nucleotide variant.
Coding change: c.472C>T on transcript NM_017491.5 (MANE Select); coding-DNA position 472, C replaced by T.
Protein change: p.Arg158Trp; replaces arginine 158 with tryptophan.
Molecular consequence: missense variant. On other transcripts: intron variant (1).
Genome position (GRCh38, 1-based): chr4:10,097,797, G>A on the plus strand (C>T on the coding strand, the complement: WDR1 is on the minus strand). VCF-style: chr4-10097797-G-A. GRCh37 (hg19) VCF-style: chr4-10099421-G-A.
Other names: c.139-9056C>T (NM_005112.5); c.472C>T (NM_017491.3); short protein forms R158W.
Identifiers: ClinVar variation 1395806 (VCV001395806.6), dbSNP rs779839213, ClinGen allele CA92234901.